The following is an entry in ClinVar:

ClinVar aggregate classification (germline): Uncertain significance (1 of 4 stars; one submission).

Submission:

GeneDx
Classification: Uncertain significance. Last evaluated: 2023-02-14. Review status: criteria provided, single submitter. Criteria: GeneDx Variant Classification Process June 2021. Collection method: clinical testing. Allele origin: germline. Affected: yes.
Comment: Not observed at significant frequency in large population cohorts (gnomAD); Has not been previously published as pathogenic or benign to our knowledge; Frameshift variant predicted to result in protein truncation or nonsense mediated decay in a gene for which loss-of-function is not a known mechanism of disease

NM_020822.3(KCNT1):c.1626del (p.Gln543fs)

Gene: KCNT1 (potassium sodium-activated channel subfamily T member 1; plus strand). Cytogenetic location: 9q34.3.
Variant type: Deletion.
Coding change: c.1626del on transcript NM_020822.3 (MANE Select); coding-DNA position 1626, one base deleted (A; older notation c.1626delA).
Protein change: p.Gln543fs; shifts the reading frame from glutamine 543.
Molecular consequence: frameshift variant.
Genome position (GRCh38, 1-based): chr9:135,770,304, A deleted. VCF-style (leftmost placement, unchanged base first): chr9-135770303-GA-G. GRCh37 (hg19) VCF-style: chr9-138662149-GA-G.
Other names: c.1491del, p.Gln498fs (NM_001272003.2); short protein forms Q498fs, Q543fs.
Identifiers: ClinVar variation 2575692 (VCV002575692.1), dbSNP rs2490964142, ClinGen allele CA2580617147.
Genomic context (GRCh38, chr9:135,770,303, plus strand): 5'-GAAGGGGCAGCCATGGCCGAGGGTGACGCTCCCCTGGCCCCGCCCTGGCCCACAGGGAGG[GA>G]CAGGAGTCTCCGGAGCAGTGGCAGCGCATGTATGGGCGCTGCTCCGGCAACGAGGTGTAC-3'